The following is an entry in ClinVar:

NM_001384732.1(CPLANE1):c.7183A>C (p.Lys2395Gln)

Gene: CPLANE1 (ciliogenesis and planar polarity effector complex subunit 1; minus strand). Cytogenetic location: 5p13.2.
Variant type: single nucleotide variant.
Coding change: c.7183A>C on transcript NM_001384732.1 (MANE Select); coding-DNA position 7183, A replaced by C.
Protein change: p.Lys2395Gln; replaces lysine 2395 with glutamine.
Molecular consequence: missense variant.
Genome position (GRCh38, 1-based): chr5:37,168,841, T>G on the plus strand (A>C on the coding strand, the complement: CPLANE1 is on the minus strand). VCF-style: chr5-37168841-T-G. GRCh37 (hg19) VCF-style: chr5-37168943-T-G.
Other names: c.7183A>C, p.Lys2395Gln (NM_023073.4); short protein forms K2395Q.
Identifiers: ClinVar variation 2135956 (VCV002135956.4), dbSNP rs2547561595, ClinGen allele CA359477906.

ClinVar aggregate classification (germline): Uncertain significance (1 of 4 stars; one submission).

Submission:

Labcorp Genetics (formerly Invitae), Labcorp
Classification: Uncertain significance. Last evaluated: 2022-05-25. Review status: criteria provided, single submitter. Criteria: Invitae Variant Classification Sherloc (09022015). Collection method: clinical testing. Allele origin: germline.
Comment: In summary, the available evidence is currently insufficient to determine the role of this variant in disease. Therefore, it has been classified as a Variant of Uncertain Significance. Advanced modeling of protein sequence and biophysical properties (such as structural, functional, and spatial information, amino acid conservation, physicochemical variation, residue mobility, and thermodynamic stability) performed at Invitae indicates that this missense variant is not expected to disrupt CPLANE1 protein function. This variant has not been reported in the literature in individuals affected with CPLANE1-related conditions. This variant is not present in population databases (gnomAD no frequency). This sequence change replaces lysine, which is basic and polar, with glutamine, which is neutral and polar, at codon 2395 of the CPLANE1 protein (p.Lys2395Gln).